The following is an entry in ClinVar:

NM_001556.3(IKBKB):c.2190A>C (p.Gln730His)

Gene: IKBKB (inhibitor of nuclear factor kappa B kinase subunit beta; plus strand). Cytogenetic location: 8p11.21.
Variant type: single nucleotide variant.
Coding change: c.2190A>C on transcript NM_001556.3 (MANE Select); coding-DNA position 2190, A replaced by C.
Protein change: p.Gln730His; replaces glutamine 730 with histidine.
Molecular consequence: missense variant. On other transcripts: non-coding transcript variant (3).
Genome position (GRCh38, 1-based): chr8:42,329,199, A>C. VCF-style: chr8-42329199-A-C. GRCh37 (hg19) VCF-style: chr8-42186717-A-C.
Other names: c.1998A>C, p.Gln666His (NM_001190720.3); c.2013A>C, p.Gln671His (NM_001242778.2); short protein forms Q666H, Q730H, Q671H.
Identifiers: ClinVar variation 2007259 (VCV002007259.1), dbSNP rs773395600, ClinGen allele CA371094909.

ClinVar aggregate classification (germline): Uncertain significance (1 of 4 stars; one submission).

Conditions:
Severe combined immunodeficiency due to IKK2 deficiency. Also called: IMMUNODEFICIENCY 15B; Immunodeficiency 15. Identifiers: Orphanet 397787, MedGen C4747743, MONDO:0014267, OMIM 615592.

gnomAD v4.1: 3 of 1,593,378 alleles (0.00019%); highest among the groups gnomAD compares: Non-Finnish European, 0.00026%; no homozygotes.

Submission:

Labcorp Genetics (formerly Invitae), Labcorp
Classification: Uncertain significance for Severe combined immunodeficiency due to IKK2 deficiency. Last evaluated: 2022-06-25. Review status: criteria provided, single submitter. Criteria: Invitae Variant Classification Sherloc (09022015). Collection method: clinical testing. Allele origin: germline.
Comment: This sequence change replaces glutamine, which is neutral and polar, with histidine, which is basic and polar, at codon 730 of the IKBKB protein (p.Gln730His). This variant is not present in population databases (gnomAD no frequency). This variant has not been reported in the literature in individuals affected with IKBKB-related conditions. Advanced modeling of protein sequence and biophysical properties (such as structural, functional, and spatial information, amino acid conservation, physicochemical variation, residue mobility, and thermodynamic stability) performed at Invitae indicates that this missense variant is not expected to disrupt IKBKB protein function. In summary, the available evidence is currently insufficient to determine the role of this variant in disease. Therefore, it has been classified as a Variant of Uncertain Significance.